The following is an entry in ClinVar:

ClinVar aggregate classification (germline): Uncertain significance (1 of 4 stars; one submission).

Conditions:
Jeune thoracic dystrophy. Also called: Short-rib thoracic dysplasia; Jeune syndrome; Infantile thoracic dystrophy; Thoracic pelvic phalangeal dystrophy; Jeune's syndrome; Chondroectodermal dysplasia-like syndrome. Identifiers: Orphanet 474, MedGen C0265275, MONDO:0018770.

Allele frequency attached by ClinVar (database versions not stated): gnomAD exomes below 0.00001; TOPMed below 0.00001.
gnomAD v4.1: 4 of 1,541,636 alleles (0.00026%); highest among the groups gnomAD compares: Non-Finnish European, 0.00035%; no homozygotes.

Submission:

Labcorp Genetics (formerly Invitae), Labcorp
Classification: Uncertain significance for Jeune thoracic dystrophy. Last evaluated: 2021-08-07. Review status: criteria provided, single submitter. Criteria: Invitae Variant Classification Sherloc (09022015). Collection method: clinical testing. Allele origin: germline.
Comment: In summary, the available evidence is currently insufficient to determine the role of this variant in disease. Therefore, it has been classified as a Variant of Uncertain Significance. Algorithms developed to predict the effect of missense changes on protein structure and function (SIFT, PolyPhen-2, Align-GVGD) all suggest that this variant is likely to be disruptive. This variant has not been reported in the literature in individuals affected with DYNC2H1-related conditions. This variant is not present in population databases (ExAC no frequency). This sequence change replaces phenylalanine with serine at codon 116 of the DYNC2H1 protein (p.Phe116Ser). The phenylalanine residue is highly conserved and there is a large physicochemical difference between phenylalanine and serine.

NM_001377.3(DYNC2H1):c.347T>C (p.Phe116Ser)

Gene: DYNC2H1 (dynein cytoplasmic 2 heavy chain 1; plus strand). Cytogenetic location: 11q22.3.
Variant type: single nucleotide variant.
Coding change: c.347T>C on transcript NM_001377.3 (MANE Select); coding-DNA position 347, T replaced by C.
Protein change: p.Phe116Ser; replaces phenylalanine 116 with serine.
Molecular consequence: missense variant.
Genome position (GRCh38, 1-based): chr11:103,113,688, T>C. VCF-style: chr11-103113688-T-C. GRCh37 (hg19) VCF-style: chr11-102984417-T-C.
Other names: c.347T>C, p.Phe116Ser (NM_001080463.2); short protein forms F116S.
Identifiers: ClinVar variation 1405958 (VCV001405958.6), dbSNP rs1020246530, ClinGen allele CA227398265.